The following is an entry in ClinVar:

NM_000181.4(GUSB):c.185A>C (p.Gln62Pro)

Gene: GUSB (glucuronidase beta; minus strand). Cytogenetic location: 7q11.21.
Variant type: single nucleotide variant.
Coding change: c.185A>C on transcript NM_000181.4 (MANE Select); coding-DNA position 185, A replaced by C.
Protein change: p.Gln62Pro; replaces glutamine 62 with proline.
Molecular consequence: missense variant. On other transcripts: 5 prime UTR variant (2), non-coding transcript variant (1).
Genome position (GRCh38, 1-based): chr7:65,981,999, T>G on the plus strand (A>C on the coding strand, the complement: GUSB is on the minus strand). VCF-style: chr7-65981999-T-G. GRCh37 (hg19) VCF-style: chr7-65446986-T-G.
Other names: c.185A>C, p.Gln62Pro (NM_001284290.2); c.-201A>C (NM_001293104.2); c.-145A>C (NM_001293105.2); short protein forms Q62P.
Identifiers: ClinVar variation 2062067 (VCV002062067.4), dbSNP rs571736757, ClinGen allele CA367654679.

ClinVar aggregate classification (germline): Uncertain significance (1 of 4 stars; one submission).

Conditions:
Mucopolysaccharidosis type 7 (MPS7). Also called: SLY SYNDROME; MPS VII; BETA-GLUCURONIDASE DEFICIENCY; GUSB DEFICIENCY. Identifiers: Orphanet 584, MedGen C0085132, MONDO:0009662, OMIM 253220.

Submission:

Labcorp Genetics (formerly Invitae), Labcorp
Classification: Uncertain significance for Mucopolysaccharidosis type 7. Last evaluated: 2021-12-28. Review status: criteria provided, single submitter. Criteria: Invitae Variant Classification Sherloc (09022015). Collection method: clinical testing. Allele origin: germline.
Comment: In summary, the available evidence is currently insufficient to determine the role of this variant in disease. Therefore, it has been classified as a Variant of Uncertain Significance. Algorithms developed to predict the effect of missense changes on protein structure and function are either unavailable or do not agree on the potential impact of this missense change (SIFT: "Tolerated"; PolyPhen-2: "Possibly Damaging"; Align-GVGD: "Class C0"). This variant has not been reported in the literature in individuals affected with GUSB-related conditions. This variant is not present in population databases (gnomAD no frequency). This sequence change replaces glutamine, which is neutral and polar, with proline, which is neutral and non-polar, at codon 62 of the GUSB protein (p.Gln62Pro).